The following is an entry in ClinVar:

ClinVar aggregate classification (germline): Uncertain significance (1 of 4 stars; one submission).

Conditions:
PHF2-related disorder. Also called: PHF2-related condition.

Submission:

PreventionGenetics, part of Exact Sciences
Classification: Uncertain significance for PHF2-related condition. Last evaluated: 2026-06-10. Review status: criteria provided, single submitter. Criteria: ACMG Guidelines, 2015. Collection method: clinical testing. Allele origin: germline.
Comment: The PHF2 c.2025_2026delTG variant is predicted to result in a frameshift and premature protein termination (p.Asp675Glufs*3). To our knowledge, this variant has not been reported in the literature or in a large population database (gnomAD), indicating this variant is rare. At this time, the clinical significance of this variant is uncertain due to the absence of conclusive functional and genetic evidence.

NM_005392.4(PHF2):c.2025_2026del (p.Asp675fs)

Gene: PHF2 (PHD finger protein 2; plus strand). Cytogenetic location: 9q22.31.
Variant type: Deletion.
Coding change: c.2025_2026del on transcript NM_005392.4 (MANE Select); coding-DNA positions 2025 to 2026, 2 bases deleted (TG; older notation c.2025_2026delTG).
Protein change: p.Asp675fs; shifts the reading frame from aspartic acid 675.
Molecular consequence: frameshift variant.
Genome position (GRCh38, 1-based): chr9:93,665,773-93,665,774, TG deleted. VCF-style (leftmost placement, unchanged base first): chr9-93665772-ATG-A. GRCh37 (hg19) VCF-style: chr9-96428054-ATG-A.
Other names: short protein forms D675fs.
Identifiers: ClinVar variation 4994583 (VCV004994583.1).